The following is an entry in ClinVar:

NM_001165963.4(SCN1A):c.3698G>A (p.Gly1233Asp)

Genes: SCN1A (sodium voltage-gated channel alpha subunit 1; minus strand), LOC102724058 (uncharacterized LOC102724058; plus strand). Cytogenetic location: 2q24.3.
Variant type: single nucleotide variant.
Coding change: c.3698G>A on transcript NM_001165963.4 (MANE Select); coding-DNA position 3698, G replaced by A.
Protein change: p.Gly1233Asp; replaces glycine 1233 with aspartic acid.
Molecular consequence: missense variant. On other transcripts: non-coding transcript variant (1).
Genome position (GRCh38, 1-based): chr2:166,013,751, C>T on the plus strand (G>A on the coding strand, the complement: SCN1A is on the minus strand). VCF-style: chr2-166013751-C-T. GRCh37 (hg19) VCF-style: chr2-166870261-C-T.
Other names: c.3614G>A, p.Gly1205Asp (NM_001165964.3, NM_001353957.2, NM_001353958.2); c.3698G>A, p.Gly1233Asp (NM_001202435.3, NM_001353948.2); c.3665G>A, p.Gly1222Asp (NM_001353949.2, NM_001353950.2, NM_001353951.2 and 2 more transcripts); c.3662G>A, p.Gly1221Asp (NM_001353954.2, NM_001353955.2); c.3611G>A, p.Gly1204Asp (NM_001353960.2); c.1256G>A, p.Gly419Asp (NM_001353961.2); short protein forms G1222D, G1233D, G1221D, G419D, G1204D, G1205D.
Identifiers: ClinVar variation 432867 (VCV000432867.50), dbSNP rs1553532470, ClinGen allele CA349055643.

ClinVar aggregate classification (germline): Conflicting classifications of pathogenicity. Review status: criteria provided, conflicting classifications (1 of 4 stars). 3 submissions from 3 submitters: Pathogenic (1); Likely pathogenic (1); Uncertain significance (1). Last evaluated 2024-08-06.

Conditions:
Early-infantile DEE. Also called: Early infantile epileptic encephalopathy with suppression bursts; Ohtahara syndrome; Early infantile epileptic encephalopathy. Identifiers: Orphanet 1934, MedGen C0393706, MONDO:0800491.

Submissions (3):

GeneDx
Classification: Uncertain significance. Last evaluated: 2024-08-06. Review status: criteria provided, single submitter. Criteria: GeneDx Variant Classification Process June 2021. Collection method: clinical testing. Allele origin: germline. Affected: yes.
Comment: Not observed at significant frequency in large population cohorts (gnomAD); In silico analysis supports that this missense variant has a deleterious effect on protein structure/function; Has not been previously published as pathogenic or benign to our knowledge; This substitution is predicted to be within the transmembrane segment S1 of the third homologous domain

Labcorp Genetics (formerly Invitae), Labcorp
Classification: Pathogenic for Early-infantile DEE. Last evaluated: 2022-08-19. Review status: criteria provided, single submitter. Criteria: Invitae Variant Classification Sherloc (09022015). Collection method: clinical testing. Allele origin: germline.
Comment: Advanced modeling of protein sequence and biophysical properties (such as structural, functional, and spatial information, amino acid conservation, physicochemical variation, residue mobility, and thermodynamic stability) performed at Invitae indicates that this missense variant is expected to disrupt SCN1A protein function. This sequence change replaces glycine, which is neutral and non-polar, with aspartic acid, which is acidic and polar, at codon 1233 of the SCN1A protein (p.Gly1233Asp). This variant is not present in population databases (gnomAD no frequency). This missense change has been observed in individual(s) with clinical features of SCN1A-related conditions (Invitae). In at least one individual the variant was observed to be de novo. ClinVar contains an entry for this variant (Variation ID: 432867). For these reasons, this variant has been classified as Pathogenic.

CeGaT Center for Human Genetics Tuebingen
Classification: Likely pathogenic. Last evaluated: 2017-06-01. Review status: criteria provided, single submitter. Criteria: CeGaT Center For Human Genetics Tuebingen Variant Classification Criteria Version 2. Collection method: clinical testing. Allele origin: germline. Affected: yes. Observed: 1 variant allele.